The following is an entry in ClinVar:

ClinVar aggregate classification (germline): Uncertain significance. Review status: criteria provided, multiple submitters, no conflicts (2 of 4 stars). 2 submissions from 2 submitters: Uncertain significance (2). Last evaluated 2026-07-01.

Allele frequency attached by ClinVar (database versions not stated): gnomAD 0.00001; ExAC 0.00002; gnomAD exomes 0.00002; TOPMed 0.00002.
gnomAD v4.1: 26 of 1,613,982 alleles (0.0016%); highest among the groups gnomAD compares: East Asian, 0.011%; no homozygotes.

Submissions (2):

CeGaT Center for Human Genetics Tuebingen
Classification: Uncertain significance. Last evaluated: 2026-07-01. Review status: criteria provided, single submitter. Criteria: CeGaT Center For Human Genetics Tuebingen Variant Classification Criteria Version 2. Collection method: clinical testing. Allele origin: germline. Affected: yes. Observed: 1 variant allele.
Comment: SETX: PM2, BP4

Athena Diagnostics
Classification: Uncertain significance. Last evaluated: 2025-08-06. Review status: criteria provided, single submitter. Criteria: Athena Diagnostics Criteria. Collection method: clinical testing. Allele origin: unknown.
Comment: Available data are insufficient to determine the clinical significance of the variant at this time. The frequency of this variant in the general population is uninformative in assessment of its pathogenicity. Polyphen and MutationTaster predict this amino acid change may be benign.

Literature cited by the submitters: PubMed 37926714 (cited by Athena Diagnostics).

NM_015046.7(SETX):c.4312C>T (p.Pro1438Ser)

Gene: SETX (senataxin; minus strand). Cytogenetic location: 9q34.13.
Variant type: single nucleotide variant.
Coding change: c.4312C>T on transcript NM_015046.7 (MANE Select); coding-DNA position 4312, C replaced by T.
Protein change: p.Pro1438Ser; replaces proline 1438 with serine.
Molecular consequence: missense variant.
Genome position (GRCh38, 1-based): chr9:132,327,286, G>A on the plus strand (C>T on the coding strand, the complement: SETX is on the minus strand). VCF-style: chr9-132327286-G-A. GRCh37 (hg19) VCF-style: chr9-135202673-G-A.
Other names: c.4312C>T, p.Pro1438Ser (NM_001351527.2, NM_001351528.2); short protein forms P1438S.
Identifiers: ClinVar variation 994757 (VCV000994757.5), dbSNP rs750178634, ClinGen allele CA5297225.
Genomic context (GRCh38, chr9:132,327,286, plus strand): 5'-CAATTACTTCATTTGTTGGTACTGTTCCATTTAACACTACAGAATCACACTGGTTCAAAG[G>A]GCAAGCATCATCAGTTGCTGGAGACCCATGTTTTGCTTTTATGGTTTCTGGTTCAGAAGG-3'
Protein context (NP_055861.3, residues 1428-1448): HGSPATDDAC[Pro1438Ser]LNQCDSVVLN